The following is an entry in ClinVar:

ClinVar aggregate classification (germline): Uncertain significance. Review status: criteria provided, multiple submitters, no conflicts (2 of 4 stars). 2 submissions from 2 submitters: Uncertain significance (2). Last evaluated 2025-06-29.

Conditions:
Inborn genetic diseases. Identifiers: MedGen C0950123, MeSH D030342.
MOGS-congenital disorder of glycosylation. Also called: CDG 2B; MOGS-CDG; GLUCOSIDASE I DEFICIENCY; CDG IIb. Identifiers: Orphanet 79330, MedGen C1853736, MONDO:0011629, OMIM 606056.

Allele frequency attached by ClinVar (database versions not stated): gnomAD 0.00001; TOPMed 0.00003.
gnomAD v4.1: 23 of 1,614,126 alleles (0.0014%); highest among the groups gnomAD compares: Admixed American, 0.038%; no homozygotes.

Submissions (2):

Ambry Genetics
Classification: Uncertain significance for Inborn genetic diseases. Last evaluated: 2025-06-29. Review status: criteria provided, single submitter. Criteria: Ambry Variant Classification Scheme 2023. Collection method: clinical testing. Allele origin: germline.

Labcorp Genetics (formerly Invitae), Labcorp
Classification: Uncertain significance for MOGS-congenital disorder of glycosylation. Last evaluated: 2024-10-22. Review status: criteria provided, single submitter. Criteria: Invitae Variant Classification Sherloc (09022015). Collection method: clinical testing. Allele origin: germline.
Comment: This sequence change replaces glutamine, which is neutral and polar, with lysine, which is basic and polar, at codon 347 of the MOGS protein (p.Gln347Lys). This variant is present in population databases (rs778176484, gnomAD 0.06%). This variant has not been reported in the literature in individuals affected with MOGS-related conditions. ClinVar contains an entry for this variant (Variation ID: 1345292). An algorithm developed to predict the effect of missense changes on protein structure and function outputs the following: PolyPhen-2: "Benign". The lysine amino acid residue is found in multiple mammalian species, which suggests that this missense change does not adversely affect protein function. In summary, the available evidence is currently insufficient to determine the role of this variant in disease. Therefore, it has been classified as a Variant of Uncertain Significance.

NM_006302.3(MOGS):c.1039C>A (p.Gln347Lys)

Gene: MOGS (mannosyl-oligosaccharide glucosidase; minus strand). Cytogenetic location: 2p13.1.
Variant type: single nucleotide variant.
Coding change: c.1039C>A on transcript NM_006302.3 (MANE Select); coding-DNA position 1039, C replaced by A.
Protein change: p.Gln347Lys; replaces glutamine 347 with lysine.
Molecular consequence: missense variant.
Genome position (GRCh38, 1-based): chr2:74,462,750, G>T on the plus strand (C>A on the coding strand, the complement: MOGS is on the minus strand). VCF-style: chr2-74462750-G-T. GRCh37 (hg19) VCF-style: chr2-74689877-G-T.
Other names: c.1039C>A (NM_006302.2); c.721C>A, p.Gln241Lys (NM_001146158.2); short protein forms Q347K, Q241K.
Identifiers: ClinVar variation 1345292 (VCV001345292.5), dbSNP rs778176484, ClinGen allele CA1724863.